The following is an entry in ClinVar:

NC_000012.12:g.128844717_128844771del

Gene: GLT1D1 (glycosyltransferase 1 domain containing 1; plus strand). Cytogenetic location: 12q24.33.
Variant type: Deletion.
Genome position: GRCh38: chr12:128,844,717-128,844,771. GRCh37 (hg19): chr12:129,329,262-129,329,316.
Identifiers: ClinVar variation 2643587 (VCV002643587.24), dbSNP rs1566068316, ClinGen allele CA608148088.

ClinVar aggregate classification (germline): Likely benign (1 of 4 stars; one submission).

Submission:

CeGaT Center for Human Genetics Tuebingen
Classification: Likely benign. Last evaluated: 2023-01-01. Review status: criteria provided, single submitter. Criteria: CeGaT Center For Human Genetics Tuebingen Variant Classification Criteria Version 2. Collection method: clinical testing. Allele origin: germline. Affected: yes. Observed: 1 variant allele.
Comment: GLT1D1: BS2